The following is an entry in ClinVar:

ClinVar aggregate classification (germline): Likely benign (1 of 4 stars; one submission).

Conditions:
Aortic aneurysm, familial thoracic 7 (AAT7). Also called: AORTIC DISSECTION, FAMILIAL, WITH OR WITHOUT AORTIC ANEURYSM. Identifiers: MedGen C3151077, MONDO:0013418, OMIM 613780.

Allele frequency attached by ClinVar (database versions not stated): TOPMed 0.00002; gnomAD 0.00004 and 0.00021; 1000 Genomes Project 0.00160; 1000 Genomes Project 30x 0.00187.

Submission:

Illumina Laboratory Services, Illumina
Classification: Likely benign for Aortic aneurysm, familial thoracic 7. Last evaluated: 2018-01-12. Review status: criteria provided, single submitter. Criteria: ICSL Variant Classification Criteria 13 December 2019. Collection method: clinical testing. Allele origin: germline.
Comment: This variant was observed in the ICSL laboratory as part of a predisposition screen in an ostensibly healthy population. It had not been previously curated by ICSL or reported in the Human Gene Mutation Database (HGMD: prior to June 1st, 2018), and was therefore a candidate for classification through an automated scoring system. Utilizing variant allele frequency, disease prevalence and penetrance estimates, and inheritance mode, an automated score was calculated to assess if this variant is too frequent to cause the disease. Based on the score and internal cut-off values, a variant classified as likely benign is not then subjected to further curation. The score for this variant resulted in a classification of likely benign for this disease.

NM_053025.4(MYLK):c.*1134C>T

Genes: MYLK-AS1 (MYLK antisense RNA 1; plus strand), MYLK (myosin light chain kinase; minus strand). Cytogenetic location: 3q21.1.
Variant type: single nucleotide variant.
Coding change: c.*1134C>T on transcript NM_053025.4 (MANE Select); 1134 bases downstream of the stop codon, C replaced by T.
Molecular consequence: 3 prime UTR variant.
Genome position (GRCh38, 1-based): chr3:123,612,971, G>A on the plus strand (C>T on the coding strand, the complement: MYLK is on the minus strand). VCF-style: chr3-123612971-G-A. GRCh37 (hg19) VCF-style: chr3-123331818-G-A.
Other names: c.*1134C>T (NM_001321309.2, NM_053026.4, NM_053027.4 and 3 more transcripts).
Identifiers: ClinVar variation 899486 (VCV000899486.4), dbSNP rs539295972, ClinGen allele CA82936664.